The following is an entry in ClinVar:

ClinVar aggregate classification (germline): Benign. Review status: criteria provided, multiple submitters, no conflicts (2 of 4 stars). 2 submissions from 2 submitters: Benign (2). Last evaluated 2018-01-12.

Conditions:
Neuropathy, hereditary sensory and autonomic, type 1C. Also called: HSAN IC; HSN IC. Identifiers: Orphanet 36386, MedGen C3150896, MONDO:0013337, OMIM 613640.

Allele frequency attached by ClinVar (database versions not stated): gnomAD 0.00011 and 0.00135; TOPMed 0.00030; 1000 Genomes Project 30x 0.01062; 1000 Genomes Project 0.01158.

Submissions (2):

Illumina Laboratory Services, Illumina
Classification: Benign for Neuropathy, hereditary sensory and autonomic, type 1C. Last evaluated: 2018-01-12. Review status: criteria provided, single submitter. Criteria: ICSL Variant Classification Criteria 13 December 2019. Collection method: clinical testing. Allele origin: germline.
Comment: This variant was observed in the ICSL laboratory as part of a predisposition screen in an ostensibly healthy population. It had not been previously curated by ICSL or reported in the Human Gene Mutation Database (HGMD: prior to June 1st, 2018), and was therefore a candidate for classification through an automated scoring system. Utilizing variant allele frequency, disease prevalence and penetrance estimates, and inheritance mode, an automated score was calculated to assess if this variant is too frequent to cause the disease. Based on the score and internal cut-off values, a variant classified as benign is not then subjected to further curation. The score for this variant resulted in a classification of benign for this disease.

Breakthrough Genomics
Classification: Benign. Review status: criteria provided, single submitter. Criteria: ACMG Guidelines, 2015. Collection method: not provided. Allele origin: germline. Inheritance: Autosomal dominant inheritance. Affected: yes.

NM_004863.4(SPTLC2):c.*3931G>C

Gene: SPTLC2 (serine palmitoyltransferase long chain base subunit 2; minus strand). Cytogenetic location: 14q24.3.
Variant type: single nucleotide variant.
Coding change: c.*3931G>C on transcript NM_004863.4 (MANE Select); 3931 bases downstream of the stop codon, G replaced by C.
Molecular consequence: 3 prime UTR variant.
Genome position (GRCh38, 1-based): chr14:77,508,353, C>G on the plus strand (G>C on the coding strand, the complement: SPTLC2 is on the minus strand). VCF-style: chr14-77508353-C-G. GRCh37 (hg19) VCF-style: chr14-77974696-C-G.
Identifiers: ClinVar variation 314598 (VCV000314598.6), dbSNP rs371265800, ClinGen allele CA10645066.